The following is an entry in ClinVar:

ClinVar aggregate classification (germline): Uncertain significance (1 of 4 stars; one submission).

Conditions:
Fanconi anemia (FA). Also called: Fanconi's anemia. Identifiers: Orphanet 84, MedGen C0015625, MeSH D005199, MONDO:0019391.

gnomAD v4.1: 1 of 1,607,416 alleles (0.000062%); highest among the groups gnomAD compares: Non-Finnish European, 0.000085%; no homozygotes.

Submission:

Labcorp Genetics (formerly Invitae), Labcorp
Classification: Uncertain significance for Fanconi anemia. Last evaluated: 2025-10-18. Review status: criteria provided, single submitter. Criteria: Invitae Variant Classification Sherloc (09022015). Collection method: clinical testing. Allele origin: germline.
Comment: This sequence change affects codon 723 of the FANCD2 mRNA. It is a 'silent' change, meaning that it does not change the encoded amino acid sequence of the FANCD2 protein. It affects a nucleotide within the consensus splice site. This variant is not present in population databases (gnomAD no frequency). This variant has not been reported in the literature in individuals affected with FANCD2-related conditions. Algorithms developed to predict the effect of sequence changes on RNA splicing suggest that this variant is not likely to affect RNA splicing. In summary, the available evidence is currently insufficient to determine the role of this variant in disease. Therefore, it has been classified as a Variant of Uncertain Significance.

NM_001018115.3(FANCD2):c.2169A>G (p.Lys723=)

Genes: FANCD2 (FA complementation group D2; plus strand), LOC107303338 (3p25 FANCD2 Alu-mediated recombination region; plus strand). Cytogenetic location: 3p25.3.
Variant type: single nucleotide variant.
Coding change: c.2169A>G on transcript NM_001018115.3 (MANE Select); coding-DNA position 2169, A replaced by G.
Protein change: p.Lys723=; no amino-acid change (lysine 723 retained).
Molecular consequence: synonymous variant.
Genome position (GRCh38, 1-based): chr3:10,065,394, A>G. VCF-style: chr3-10065394-A-G. GRCh37 (hg19) VCF-style: chr3-10107078-A-G.
Other names: c.2169A>G, p.Lys723= (NM_001319984.2, NM_001374254.1, NM_033084.6); c.2058A>G, p.Lys686= (NM_001374253.1).
Identifiers: ClinVar variation 4811281 (VCV004811281.1).